The following is an entry in ClinVar:

ClinVar aggregate classification (germline): Uncertain significance (1 of 4 stars; one submission).

Conditions:
Familial isolated arrhythmogenic right ventricular dysplasia. Identifiers: Orphanet 217656, MedGen C4274968, MONDO:0016342.

Submission:

All of Us Research Program, National Institutes of Health
Classification: Uncertain significance for Familial isolated arrhythmogenic right ventricular dysplasia. Last evaluated: 2024-09-17. Review status: criteria provided, single submitter. Criteria: ACMG Guidelines, 2015. Collection method: clinical testing. Allele origin: germline. Inheritance: Autosomal dominant inheritance. Observed: 1 variant allele, 1 heterozygote.
Comment: This study involves interpretation of variants in research participants for the purpose of population health screening. Participant phenotype was not available at the time of variant classification. Additional details can be found in publication PMID: 35346344, PMCID: PMC8962531

NM_024422.6(DSC2):c.1121del (p.Leu374fs)

Gene: DSC2 (desmocollin 2; minus strand). Cytogenetic location: 18q12.1.
Variant type: Deletion.
Coding change: c.1121del on transcript NM_024422.6 (MANE Select); coding-DNA position 1121, one base deleted (T; older notation c.1121delT).
Protein change: p.Leu374fs; shifts the reading frame from leucine 374.
Molecular consequence: frameshift variant.
Genome position (GRCh38, 1-based): chr18:31,082,380, A deleted on the plus strand (T on the coding strand, the reverse complement: DSC2 is on the minus strand); the first of 2 consecutive A bases (chr18:31,082,380-31,082,381); deleting either gives the same sequence. VCF-style (leftmost placement, unchanged base first): chr18-31082379-TA-T. GRCh37 (hg19) VCF-style: chr18-28662345-TA-T.
Other names: c.692del, p.Leu231fs (NM_001406506.1, NM_001406507.1); c.1121del, p.Leu374fs (NM_004949.5); short protein forms L231fs, L374fs.
Identifiers: ClinVar variation 3386534 (VCV003386534.1).